The following is an entry in ClinVar:

ClinVar aggregate classification (germline): Uncertain significance (1 of 4 stars; one submission).

Allele frequency attached by ClinVar (database versions not stated): gnomAD exomes below 0.00001.
gnomAD v4.1: 1 of 1,339,152 alleles (0.000075%); highest among the groups gnomAD compares: East Asian, 0.0032%; no homozygotes.

Submission:

Labcorp Genetics (formerly Invitae), Labcorp
Classification: Uncertain significance. Last evaluated: 2022-05-21. Review status: criteria provided, single submitter. Criteria: Invitae Variant Classification Sherloc (09022015). Collection method: clinical testing. Allele origin: germline.
Comment: In summary, the available evidence is currently insufficient to determine the role of this variant in disease. Therefore, it has been classified as a Variant of Uncertain Significance. Algorithms developed to predict the effect of missense changes on protein structure and function are either unavailable or do not agree on the potential impact of this missense change (SIFT: "Not Available"; PolyPhen-2: "Benign"; Align-GVGD: "Not Available"). This variant has not been reported in the literature in individuals affected with PDSS1-related conditions. The frequency data for this variant in the population databases is considered unreliable, as metrics indicate poor data quality at this position in the gnomAD database. This sequence change replaces alanine, which is neutral and non-polar, with valine, which is neutral and non-polar, at codon 38 of the PDSS1 protein (p.Ala38Val).

NM_014317.5(PDSS1):c.113C>T (p.Ala38Val)

Gene: PDSS1 (decaprenyl diphosphate synthase subunit 1; plus strand). Cytogenetic location: 10p12.1.
Variant type: single nucleotide variant.
Coding change: c.113C>T on transcript NM_014317.5 (MANE Select); coding-DNA position 113, C replaced by T.
Protein change: p.Ala38Val; replaces alanine 38 with valine.
Molecular consequence: missense variant. On other transcripts: 5 prime UTR variant (1).
Genome position (GRCh38, 1-based): chr10:26,697,824, C>T. VCF-style: chr10-26697824-C-T. GRCh37 (hg19) VCF-style: chr10-26986753-C-T.
Other names: c.113C>T, p.Ala38Val (NM_001321978.2); c.-481C>T (NM_001321979.2); short protein forms A38V.
Identifiers: ClinVar variation 1933707 (VCV001933707.3), dbSNP rs1241624890, ClinGen allele CA376488996.